The following is an entry in ClinVar:

ClinVar aggregate classification (germline): Uncertain significance (1 of 4 stars; one submission).

Conditions:
Neutral lipid storage myopathy (NLSDM). Also called: NEUTRAL LIPID STORAGE DISEASE WITHOUT ICHTHYOSIS. Identifiers: Orphanet 98908, MedGen C1853136, MONDO:0012545, OMIM 610717.

Submission:

Labcorp Genetics (formerly Invitae), Labcorp
Classification: Uncertain significance for Neutral lipid storage myopathy. Last evaluated: 2022-11-08. Review status: criteria provided, single submitter. Criteria: Invitae Variant Classification Sherloc (09022015). Collection method: clinical testing. Allele origin: germline.
Comment: In summary, the available evidence is currently insufficient to determine the role of this variant in disease. Therefore, it has been classified as a Variant of Uncertain Significance. Advanced modeling of protein sequence and biophysical properties (such as structural, functional, and spatial information, amino acid conservation, physicochemical variation, residue mobility, and thermodynamic stability) performed at Invitae indicates that this missense variant is not expected to disrupt PNPLA2 protein function. This variant has not been reported in the literature in individuals affected with PNPLA2-related conditions. This variant is not present in population databases (gnomAD no frequency). This sequence change replaces arginine, which is basic and polar, with tryptophan, which is neutral and slightly polar, at codon 257 of the PNPLA2 protein (p.Arg257Trp).

NM_020376.4(PNPLA2):c.769C>T (p.Arg257Trp)

Gene: PNPLA2 (patatin like domain 2, triacylglycerol lipase; plus strand). Cytogenetic location: 11p15.5.
Variant type: single nucleotide variant.
Coding change: c.769C>T on transcript NM_020376.4 (MANE Select); coding-DNA position 769, C replaced by T.
Protein change: p.Arg257Trp; replaces arginine 257 with tryptophan.
Molecular consequence: missense variant.
Genome position (GRCh38, 1-based): chr11:823,705, C>T. VCF-style: chr11-823705-C-T. GRCh37 (hg19) VCF-style: chr11-823705-C-T.
Other names: short protein forms R257W.
Identifiers: ClinVar variation 2001957 (VCV002001957.4), dbSNP rs1252156946, ClinGen allele CA378981114.